The following is an entry in ClinVar:

NM_005614.4(RHEB):c.202T>C (p.Ser68Pro)

Gene: RHEB (Ras homolog, mTORC1 binding; minus strand). Cytogenetic location: 7q36.1.
Variant type: single nucleotide variant.
Coding change: c.202T>C on transcript NM_005614.4 (MANE Select); coding-DNA position 202, T replaced by C.
Protein change: p.Ser68Pro; replaces serine 68 with proline.
Molecular consequence: missense variant.
Genome position (GRCh38, 1-based): chr7:151,477,406, A>G on the plus strand (T>C on the coding strand, the complement: RHEB is on the minus strand). VCF-style: chr7-151477406-A-G. GRCh37 (hg19) VCF-style: chr7-151174492-A-G.
Other names: short protein forms S68P.
Identifiers: ClinVar variation 4088138 (VCV004088138.1).
Genomic context (GRCh38, chr7:151,477,406, plus strand): 5'-TAACAGAATACACAAGAATATAGCCATTAATATCTATGGAGTATGTCTGAGGAAAGATAG[A>G]ATATTCATCCTGTGGGGAAAAAAAATTATCTTTGAGTAGTCTTCATATAGCATCACAAAC-3'
Protein context (NP_005605.1, residues 58-78): LVDTAGQDEY[Ser68Pro]IFPQTYSIDI

ClinVar aggregate classification (germline): Pathogenic (1 of 4 stars; one submission).

Submission:

GeneDx
Classification: Pathogenic. Last evaluated: 2025-03-23. Review status: criteria provided, single submitter. Criteria: GeneDx Variant Classification Process June 2021. Collection method: clinical testing. Allele origin: germline. Affected: yes.
Comment: Not observed at significant frequency in large population cohorts (gnomAD); In silico analysis supports that this missense variant has a deleterious effect on protein structure/function; This variant is associated with the following publications: (PMID: 33057194, 35982159, 39993836, 29051493)